The following is an entry in ClinVar:

NM_001242957.3(MAK):c.144G>C (p.Leu48Phe)

Gene: MAK (male germ cell associated kinase; minus strand). Cytogenetic location: 6p24.2.
Variant type: single nucleotide variant.
Coding change: c.144G>C on transcript NM_001242957.3 (MANE Select); coding-DNA position 144, G replaced by C.
Protein change: p.Leu48Phe; replaces leucine 48 with phenylalanine.
Molecular consequence: missense variant. On other transcripts: non-coding transcript variant (2).
Genome position (GRCh38, 1-based): chr6:10,818,898, C>G on the plus strand (G>C on the coding strand, the complement: MAK is on the minus strand). VCF-style: chr6-10818898-C-G. GRCh37 (hg19) VCF-style: chr6-10819131-C-G.
Other names: c.144G>C, p.Leu48Phe (NM_001242385.2, NM_005906.6); c.42G>C, p.Leu14Phe (NM_001377262.1); short protein forms L14F, L48F.
Identifiers: ClinVar variation 1063176 (VCV001063176.6), dbSNP rs2127577698, ClinGen allele CA362721569.

ClinVar aggregate classification (germline): Uncertain significance (1 of 4 stars; one submission).

Allele frequency attached by ClinVar (database versions not stated): gnomAD exomes below 0.00001.
gnomAD v4.1: 1 of 1,587,742 alleles (0.000063%); highest among the groups gnomAD compares: African/African-American, 0.0013%; no homozygotes.

Submission:

Labcorp Genetics (formerly Invitae), Labcorp
Classification: Uncertain significance. Last evaluated: 2022-02-24. Review status: criteria provided, single submitter. Criteria: Invitae Variant Classification Sherloc (09022015). Collection method: clinical testing. Allele origin: germline.
Comment: This sequence change replaces leucine, which is neutral and non-polar, with phenylalanine, which is neutral and non-polar, at codon 48 of the MAK protein (p.Leu48Phe). This variant is not present in population databases (gnomAD no frequency). This variant has not been reported in the literature in individuals affected with MAK-related conditions. ClinVar contains an entry for this variant (Variation ID: 1063176). Experimental studies and prediction algorithms are not available or were not evaluated, and the functional significance of this variant is currently unknown. In summary, the available evidence is currently insufficient to determine the role of this variant in disease. Therefore, it has been classified as a Variant of Uncertain Significance.